The following is an entry in ClinVar:

ClinVar aggregate classification (germline): Benign (0 of 4 stars; one submission).

Conditions:
HELQ-related disorder. Also called: HELQ-related condition.

Allele frequency attached by ClinVar (database versions not stated): 1000 Genomes Project 0.01158; 1000 Genomes Project 30x 0.01343; ESP Exome Variant Server 0.01453.
gnomAD v4.1: 3,405 of 1,604,092 alleles (0.21%); highest among the groups gnomAD compares: African/African-American, 4.1%; 55 homozygotes.

Submission:

PreventionGenetics, part of Exact Sciences
Classification: Benign for HELQ-related condition. Last evaluated: 2019-03-15. Review status: no assertion criteria provided. Collection method: clinical testing. Allele origin: germline.
Comment: This variant is classified as benign based on ACMG/AMP sequence variant interpretation guidelines (Richards et al. 2015 PMID: 25741868, with internal and published modifications).

NM_133636.5(HELQ):c.2627A>T (p.Tyr876Phe)

Gene: HELQ (helicase, POLQ like; minus strand). Cytogenetic location: 4q21.23.
Variant type: single nucleotide variant.
Coding change: c.2627A>T on transcript NM_133636.5 (MANE Select); coding-DNA position 2627, A replaced by T.
Protein change: p.Tyr876Phe; replaces tyrosine 876 with phenylalanine.
Molecular consequence: missense variant.
Genome position (GRCh38, 1-based): chr4:83,427,612, T>A on the plus strand (A>T on the coding strand, the complement: HELQ is on the minus strand). VCF-style: chr4-83427612-T-A. GRCh37 (hg19) VCF-style: chr4-84348765-T-A.
Other names: c.2426A>T, p.Tyr809Phe (NM_001297755.2); c.1136A>T, p.Tyr379Phe (NM_001297756.2); c.995A>T, p.Tyr332Phe (NM_001297757.2); short protein forms Y332F, Y379F, Y809F, Y876F.
Identifiers: ClinVar variation 3038702 (VCV003038702.2), dbSNP rs113520876, ClinGen allele CA2989439.